The following is an entry in ClinVar:

NM_173598.6(KSR2):c.828G>T (p.Thr276=)

Gene: KSR2 (kinase suppressor of ras 2; minus strand). Cytogenetic location: 12q24.23.
Variant type: single nucleotide variant.
Coding change: c.828G>T on transcript NM_173598.6 (MANE Select); coding-DNA position 828, G replaced by T.
Protein change: p.Thr276=; no amino-acid change (threonine 276 retained).
Molecular consequence: synonymous variant.
Genome position (GRCh38, 1-based): chr12:117,761,169, C>A on the plus strand (G>T on the coding strand, the complement: KSR2 is on the minus strand). VCF-style: chr12-117761169-C-A. GRCh37 (hg19) VCF-style: chr12-118198974-C-A.
Identifiers: ClinVar variation 4995823 (VCV004995823.1).

ClinVar aggregate classification (germline): Likely benign (1 of 4 stars; one submission).

Conditions:
KSR2-related disorder. Also called: KSR2-related condition.

gnomAD v4.1: 7 of 1,599,884 alleles (0.00044%); highest among the groups gnomAD compares: Middle Eastern, 0.017%; no homozygotes.

Submission:

PreventionGenetics, part of Exact Sciences
Classification: Likely benign for KSR2-related condition. Last evaluated: 2025-12-03. Review status: criteria provided, single submitter. Criteria: ACMG Guidelines, 2015. Collection method: clinical testing. Allele origin: germline.
Comment: This variant is classified as likely benign based on ACMG/AMP sequence variant interpretation guidelines (Richards et al. 2015 PMID: 25741868, with internal and published modifications).